The following is an entry in ClinVar:

ClinVar aggregate classification (germline): Benign (0 of 4 stars; one submission).

Conditions:
DCHS2-related disorder. Also called: DCHS2-related condition.

Allele frequency attached by ClinVar (database versions not stated): 1000 Genomes Project 0.00639; 1000 Genomes Project 30x 0.00703; ESP Exome Variant Server 0.00907.
gnomAD v4.1: 2,415 of 1,613,730 alleles (0.15%); highest among the groups gnomAD compares: African/African-American, 2.8%; 31 homozygotes.

Submission:

PreventionGenetics, part of Exact Sciences
Classification: Benign for DCHS2-related condition. Last evaluated: 2019-03-18. Review status: no assertion criteria provided. Collection method: clinical testing. Allele origin: germline.
Comment: This variant is classified as benign based on ACMG/AMP sequence variant interpretation guidelines (Richards et al. 2015 PMID: 25741868, with internal and published modifications).

NM_001358235.2(DCHS2):c.5678G>T (p.Arg1893Leu)

Genes: DCHS2 (dachsous cadherin-related 2; minus strand), DCHS2-AS1 (DCHS2 antisense RNA 1; plus strand). Cytogenetic location: 4q31.3.
Variant type: single nucleotide variant.
Coding change: c.5678G>T on transcript NM_001358235.2 (MANE Select); coding-DNA position 5678, G replaced by T.
Protein change: p.Arg1893Leu; replaces arginine 1893 with leucine.
Molecular consequence: missense variant.
Genome position (GRCh38, 1-based): chr4:154,298,636, C>A on the plus strand (G>T on the coding strand, the complement: DCHS2 is on the minus strand). VCF-style: chr4-154298636-C-A. GRCh37 (hg19) VCF-style: chr4-155219788-C-A.
Other names: short protein forms R1893L.
Identifiers: ClinVar variation 3033908 (VCV003033908.2), dbSNP rs114469698, ClinGen allele CA3112573.